The following is an entry in ClinVar:

NM_017838.4(NHP2):c.335C>T (p.Thr112Met)

Gene: NHP2 (NHP2 ribonucleoprotein; minus strand). Cytogenetic location: 5q35.3.
Variant type: single nucleotide variant.
Coding change: c.335C>T on transcript NM_017838.4 (MANE Select); coding-DNA position 335, C replaced by T.
Protein change: p.Thr112Met; replaces threonine 112 with methionine.
Molecular consequence: missense variant. On other transcripts: intron variant (1).
Genome position (GRCh38, 1-based): chr5:178,150,889, G>A on the plus strand (C>T on the coding strand, the complement: NHP2 is on the minus strand). VCF-style: chr5-178150889-G-A. GRCh37 (hg19) VCF-style: chr5-177577890-G-A.
Other names: c.231-1051C>T (NM_001034833.2); short protein forms T112M.
Identifiers: ClinVar variation 840508 (VCV000840508.10), dbSNP rs768262654, ClinGen allele CA3589177.

ClinVar aggregate classification (germline): Uncertain significance. Review status: criteria provided, multiple submitters, no conflicts (2 of 4 stars). 2 submissions from 2 submitters: Uncertain significance (2). Last evaluated 2024-12-12.

Conditions:
Dyskeratosis congenita, autosomal recessive 2 (DKCB2). Identifiers: Orphanet 1775, MedGen C3151441, MONDO:0013519, OMIM 613987.
Dyskeratosis congenita. Identifiers: Orphanet 1775, MedGen C0265965, MONDO:0015780.

Allele frequency attached by ClinVar (database versions not stated): ExAC 0.00001; TOPMed 0.00001; gnomAD exomes 0.00002; gnomAD 0.00003 and 0.00004.
gnomAD v4.1: 29 of 1,608,050 alleles (0.0018%); highest among the groups gnomAD compares: African/African-American, 0.008%; no homozygotes.

Submissions (2):

St. Jude Molecular Pathology, St. Jude Children's Research Hospital
Classification: Uncertain significance for Dyskeratosis congenita, autosomal recessive 2. Last evaluated: 2024-12-12. Review status: criteria provided, single submitter. Criteria: St. Jude Assertion Criteria 2020. Collection method: clinical testing. Allele origin: germline.
Comment: The NHP2 c.335C>T (p.Thr112Met) missense change has a maximum subpopulation frequency of 0.0098% in gnomAD v2.1.1. The in silico tool REVEL predicts a benign effect on protein function, but to our knowledge this prediction has not been confirmed by functional studies. To our knowledge, this variant has not been reported in individuals with NHP2-associated dyskeratosis congenita. In summary, the evidence currently available is insufficient to determine the clinical significance of this variant. It has therefore been classified as of uncertain significance.

Labcorp Genetics (formerly Invitae), Labcorp
Classification: Uncertain significance for Dyskeratosis congenita. Last evaluated: 2024-11-04. Review status: criteria provided, single submitter. Criteria: Invitae Variant Classification Sherloc (09022015). Collection method: clinical testing. Allele origin: germline.
Comment: This sequence change replaces threonine, which is neutral and polar, with methionine, which is neutral and non-polar, at codon 112 of the NHP2 protein (p.Thr112Met). This variant is present in population databases (rs768262654, gnomAD 0.01%). This variant has not been reported in the literature in individuals affected with NHP2-related conditions. ClinVar contains an entry for this variant (Variation ID: 840508). An algorithm developed to predict the effect of missense changes on protein structure and function (PolyPhen-2) suggests that this variant is likely to be disruptive. In summary, the available evidence is currently insufficient to determine the role of this variant in disease. Therefore, it has been classified as a Variant of Uncertain Significance.